The following is an entry in ClinVar:

NM_006231.4(POLE):c.5395G>T (p.Val1799Phe)

Gene: POLE (DNA polymerase epsilon, catalytic subunit; minus strand). Cytogenetic location: 12q24.33.
Variant type: single nucleotide variant.
Coding change: c.5395G>T on transcript NM_006231.4 (MANE Select); coding-DNA position 5395, G replaced by T.
Protein change: p.Val1799Phe; replaces valine 1799 with phenylalanine.
Molecular consequence: missense variant.
Genome position (GRCh38, 1-based): chr12:132,639,282, C>A on the plus strand (G>T on the coding strand, the complement: POLE is on the minus strand). VCF-style: chr12-132639282-C-A. GRCh37 (hg19) VCF-style: chr12-133215868-C-A.
Other names: c.5395G>T (NM_006231.2); short protein forms V1799F.
Identifiers: ClinVar variation 648154 (VCV000648154.9), dbSNP rs780525568, ClinGen allele CA387375087.

ClinVar aggregate classification (germline): Uncertain significance. Review status: criteria provided, multiple submitters, no conflicts (2 of 4 stars). 2 submissions from 2 submitters: Uncertain significance (2). Last evaluated 2026-03-04.

Conditions:
Hereditary cancer-predisposing syndrome. Also called: Neoplastic Syndromes, Hereditary; Hereditary neoplastic syndrome; Tumor predisposition; Hereditary Cancer Syndrome. Identifiers: Orphanet 140162, MedGen C0027672, MeSH D009386, MONDO:0015356.

gnomAD v4.1: 1 of 1,614,026 alleles (0.000062%); highest among the groups gnomAD compares: Non-Finnish European, 0.000085%; no homozygotes.

Submissions (2):

Ambry Genetics
Classification: Uncertain significance for Hereditary cancer-predisposing syndrome. Last evaluated: 2026-03-04. Review status: criteria provided, single submitter. Criteria: Ambry Variant Classification Scheme 2023. Collection method: clinical testing. Allele origin: germline.
Comment: The p.V1799F variant (also known as c.5395G>T), located in coding exon 40 of the POLE gene, results from a G to T substitution at nucleotide position 5395. The valine at codon 1799 is replaced by phenylalanine, an amino acid with highly similar properties. This amino acid position is highly conserved in available vertebrate species. In addition, this alteration is predicted to be deleterious by in silico analysis. Based on the available evidence, the clinical significance of this variant remains unclear.

Labcorp Genetics (formerly Invitae), Labcorp
Classification: Uncertain significance. Last evaluated: 2025-11-13. Review status: criteria provided, single submitter. Criteria: Invitae Variant Classification Sherloc (09022015). Collection method: clinical testing. Allele origin: germline.
Comment: This sequence change replaces valine, which is neutral and non-polar, with phenylalanine, which is neutral and non-polar, at codon 1799 of the POLE protein (p.Val1799Phe). This variant is not present in population databases (gnomAD no frequency). This variant has not been reported in the literature in individuals affected with POLE-related conditions. ClinVar contains an entry for this variant (Variation ID: 648154). Invitae Evidence Modeling of protein sequence and biophysical properties (such as structural, functional, and spatial information, amino acid conservation, physicochemical variation, residue mobility, and thermodynamic stability) has been performed for this missense variant. However, the output from this modeling did not meet the statistical confidence thresholds required to predict the impact of this variant on POLE protein function. In summary, the available evidence is currently insufficient to determine the role of this variant in disease. Therefore, it has been classified as a Variant of Uncertain Significance.